The following is an entry in ClinVar:

ClinVar aggregate classification (germline): Pathogenic (1 of 4 stars; one submission).

Conditions:
Drash syndrome (DDS). Also called: NEPHROPATHY, WILMS TUMOR, AND GENITAL ANOMALIES; WILMS TUMOR AND PSEUDO- OR TRUE HERMAPHRODITISM. Identifiers: Orphanet 220, MedGen C0950121, MONDO:0008682, OMIM 194080.

Submission:

MVZ Medizinische Genetik Mainz
Classification: Pathogenic for Drash syndrome. Last evaluated: 2025-06-12. Review status: criteria provided, single submitter. Criteria: UK Practice Guidelines For Variant Classification V4 01 2020. Collection method: clinical testing. Allele origin: germline. Inheritance: Autosomal dominant inheritance. Affected: yes. Observed: 1 variant allele.
Comment: ACMG Criteria: PM1,PM5,PP3_MOD,PM2_SUP,PP4

NM_024426.6(WT1):c.1282T>C (p.Cys428Arg)

Gene: WT1 (WT1 transcription factor; minus strand). Cytogenetic location: 11p13.
Variant type: single nucleotide variant.
Coding change: c.1282T>C on transcript NM_024426.6 (MANE Select); coding-DNA position 1282, T replaced by C.
Protein change: p.Cys428Arg; replaces cysteine 428 with arginine.
Molecular consequence: missense variant. On other transcripts: non-coding transcript variant (2), intron variant (1).
Genome position (GRCh38, 1-based): chr11:32,392,738, A>G on the plus strand (T>C on the coding strand, the complement: WT1 is on the minus strand). VCF-style: chr11-32392738-A-G. GRCh37 (hg19) VCF-style: chr11-32414284-A-G.
Other names: c.1231T>C, p.Cys411Arg (NM_000378.6, NM_001407045.1, NM_001407049.1); c.631T>C, p.Cys211Arg (NM_001198551.2); c.580T>C, p.Cys194Arg (NM_001198552.2); c.94T>C, p.Cys32Arg (NM_001367854.1); c.1276T>C, p.Cys426Arg (NM_001407044.1); c.1282T>C, p.Cys428Arg (NM_001407046.1, NM_024424.5); c.1159T>C, p.Cys387Arg (NM_001407047.1); c.1108T>C, p.Cys370Arg (NM_001407050.1); and 4 more; short protein forms C174R, C194R, C211R, C32R, C338R, C355R, C370R, C387R.
Identifiers: ClinVar variation 3907670 (VCV003907670.1).